The following is an entry in ClinVar:

ClinVar aggregate classification (germline): Uncertain significance (1 of 4 stars; one submission).

Conditions:
Gorlin syndrome. Also called: Nevoid Basal Cell Carcinoma Syndrome; Basal cell nevus syndrome. Identifiers: Orphanet 377, MedGen C0004779, MONDO:0007187.

Allele frequency attached by ClinVar (database versions not stated): gnomAD 0.00001; TOPMed 0.00002; gnomAD exomes 0.00004; ExAC 0.00005; ESP Exome Variant Server 0.00008.
gnomAD v4.1: 76 of 1,613,734 alleles (0.0047%); highest among the groups gnomAD compares: Non-Finnish European, 0.0054%; no homozygotes.

Submission:

Labcorp Genetics (formerly Invitae), Labcorp
Classification: Uncertain significance for Gorlin syndrome. Last evaluated: 2025-11-10. Review status: criteria provided, single submitter. Criteria: Invitae Variant Classification Sherloc (09022015). Collection method: clinical testing. Allele origin: germline.
Comment: This sequence change falls in intron 10 of the PTCH2 gene. It does not directly change the encoded amino acid sequence of the PTCH2 protein. It affects a nucleotide within the consensus splice site. This variant is present in population databases (rs201185084, gnomAD 0.007%). This variant has not been reported in the literature in individuals affected with PTCH2-related conditions. ClinVar contains an entry for this variant (Variation ID: 843638). Variants that disrupt the consensus splice site are a relatively common cause of aberrant splicing (PMID: 17576681, 9536098). Algorithms developed to predict the effect of sequence changes on RNA splicing suggest that this variant is not likely to affect RNA splicing. In summary, the available evidence is currently insufficient to determine the role of this variant in disease. Therefore, it has been classified as a Variant of Uncertain Significance.

Literature cited by the submitters: PubMed 17576681; PubMed 9536098.

NM_003738.5(PTCH2):c.1371+4C>T

Gene: PTCH2 (patched 2; minus strand). Cytogenetic location: 1p34.1.
Variant type: single nucleotide variant.
Coding change: c.1371+4C>T on transcript NM_003738.5 (MANE Select); 4 bases into the intron after coding-DNA position 1371, C replaced by T.
Molecular consequence: intron variant.
Genome position (GRCh38, 1-based): chr1:44,829,153, G>A on the plus strand (C>T on the coding strand, the complement: PTCH2 is on the minus strand). VCF-style: chr1-44829153-G-A. GRCh37 (hg19) VCF-style: chr1-45294825-G-A.
Other names: c.1371+4C>T (NM_001166292.2).
Identifiers: ClinVar variation 843638 (VCV000843638.10), dbSNP rs201185084, ClinGen allele CA823340.